The following is an entry in ClinVar:

ClinVar aggregate classification (germline): Uncertain significance. Review status: criteria provided, multiple submitters, no conflicts (2 of 4 stars). 2 submissions from 2 submitters: Uncertain significance (2). Last evaluated 2025-08-28.

Conditions:
Hereditary spastic paraplegia 74. Also called: Spastic paraplegia 74, autosomal recessive. Identifiers: Orphanet 468661, MedGen C5568837, MONDO:0014644, OMIM 616451.
Multiple mitochondrial dysfunctions syndrome 3 (MMDS3). Identifiers: Orphanet 363424, MedGen C3809165, MONDO:0014132, OMIM 615330.
Inborn genetic diseases. Identifiers: MedGen C0950123, MeSH D030342.

Allele frequency attached by ClinVar (database versions not stated): gnomAD exomes 0.00001; gnomAD 0.00005; TOPMed 0.00006.

Submissions (2):

Ambry Genetics
Classification: Uncertain significance for Inborn genetic diseases. Last evaluated: 2025-08-28. Review status: criteria provided, single submitter. Criteria: Ambry Variant Classification Scheme 2023. Collection method: clinical testing. Allele origin: germline.

Labcorp Genetics (formerly Invitae), Labcorp
Classification: Uncertain significance for Multiple mitochondrial dysfunctions syndrome 3; Hereditary spastic paraplegia 74. Last evaluated: 2022-10-17. Review status: criteria provided, single submitter. Criteria: Invitae Variant Classification Sherloc (09022015). Collection method: clinical testing. Allele origin: germline.
Comment: In summary, the available evidence is currently insufficient to determine the role of this variant in disease. Therefore, it has been classified as a Variant of Uncertain Significance. Algorithms developed to predict the effect of missense changes on protein structure and function output the following: SIFT: "Tolerated"; PolyPhen-2: "Benign"; Align-GVGD: "Class C0". The threonine amino acid residue is found in multiple mammalian species, which suggests that this missense change does not adversely affect protein function. This variant has not been reported in the literature in individuals affected with IBA57-related conditions. This variant is present in population databases (rs780697842, gnomAD 0.06%). This sequence change replaces alanine, which is neutral and non-polar, with threonine, which is neutral and polar, at codon 32 of the IBA57 protein (p.Ala32Thr).

NM_001010867.4(IBA57):c.94G>A (p.Ala32Thr)

Gene: IBA57 (iron-sulfur cluster assembly factor IBA57; plus strand). Cytogenetic location: 1q42.13.
Variant type: single nucleotide variant.
Coding change: c.94G>A on transcript NM_001010867.4 (MANE Select); coding-DNA position 94, G replaced by A.
Protein change: p.Ala32Thr; replaces alanine 32 with threonine.
Molecular consequence: missense variant.
Genome position (GRCh38, 1-based): chr1:228,165,910, G>A. VCF-style: chr1-228165910-G-A. GRCh37 (hg19) VCF-style: chr1-228353611-G-A.
Other names: c.94G>A (NM_001010867.2); short protein forms A32T.
Identifiers: ClinVar variation 2074055 (VCV002074055.3), dbSNP rs780697842, ClinGen allele CA1431058.